The following is an entry in ClinVar:

NM_002471.4(MYH6):c.5461G>C (p.Val1821Leu)

Gene: MYH6 (myosin heavy chain 6; minus strand). Cytogenetic location: 14q11.2.
Variant type: single nucleotide variant.
Coding change: c.5461G>C on transcript NM_002471.4 (MANE Select); coding-DNA position 5461, G replaced by C.
Protein change: p.Val1821Leu; replaces valine 1821 with leucine.
Molecular consequence: missense variant.
Genome position (GRCh38, 1-based): chr14:23,384,546, C>G on the plus strand (G>C on the coding strand, the complement: MYH6 is on the minus strand). VCF-style: chr14-23384546-C-G. GRCh37 (hg19) VCF-style: chr14-23853755-C-G.
Other names: short protein forms V1821L.
Identifiers: ClinVar variation 5005303 (VCV005005303.2).

ClinVar aggregate classification (germline): Uncertain significance (1 of 4 stars; one submission).

Conditions:
Hypertrophic cardiomyopathy 14. Identifiers: MedGen C2750467, MONDO:0013197, OMIM 613251.
Dilated cardiomyopathy 1EE (CMD1EE). Identifiers: Orphanet 154, MedGen C2750466, MONDO:0013198, OMIM 613252.
Atrial septal defect 3 (ASD3). Identifiers: Orphanet 1478, MedGen C3279790, MONDO:0013567, OMIM 614089.
Sick sinus syndrome 3, susceptibility to (SSS3). Identifiers: Orphanet 166282, MedGen C3279791, MONDO:0013568, OMIM 614090.

Submission:

Juno Genomics, Hangzhou Juno Genomics, Inc
Classification: Uncertain significance for Atrial septal defect 3; Sick sinus syndrome 3, susceptibility to; Dilated cardiomyopathy 1EE; Hypertrophic cardiomyopathy 14. Review status: criteria provided, single submitter. Criteria: ACMG Guidelines, 2015. Collection method: clinical testing. Allele origin: germline.
Comment: Absent from controls (or at extremely low frequency if recessive) in Genome Aggregation Database.;Missense variant in a gene that has a low rate of benign missense variation.